The following is an entry in ClinVar:

NM_001754.5(RUNX1):c.1381A>G (p.Asn461Asp)

Gene: RUNX1 (RUNX family transcription factor 1; minus strand). Cytogenetic location: 21q22.12.
Variant type: single nucleotide variant.
Coding change: c.1381A>G on transcript NM_001754.5 (MANE Select); coding-DNA position 1381, A replaced by G.
Protein change: p.Asn461Asp; replaces asparagine 461 with aspartic acid.
Molecular consequence: missense variant.
Genome position (GRCh38, 1-based): chr21:34,792,197, T>C on the plus strand (A>G on the coding strand, the complement: RUNX1 is on the minus strand). VCF-style: chr21-34792197-T-C. GRCh37 (hg19) VCF-style: chr21-36164494-T-C.
Other names: NM_001754.5(RUNX1):c.1381A>G; p.Asn461Asp; c.1300A>G, p.Asn434Asp (NM_001001890.3); short protein forms N434D, N461D.
Identifiers: ClinVar variation 643861 (VCV000643861.8), dbSNP rs1196493708, ClinGen allele CA410146990.

ClinVar aggregate classification (germline): Uncertain significance. Review status: reviewed by expert panel (3 of 4 stars). 3 submissions from 3 submitters: Uncertain significance (1). 2 of the submissions do not count toward it. Last evaluated 2024-10-29.

Conditions:
Inborn genetic diseases. Identifiers: MedGen C0950123, MeSH D030342.
Hereditary thrombocytopenia and hematological cancer predisposition syndrome associated with RUNX1. Also called: Familial Platelet Disorder with Propensity to Acute Myelogenous Leukemia; Familial thrombocytopenia with propensity to acute myelogenous leukemia; RUNX1 Familial Platelet Disorder with Associated Myeloid Malignancies; PLATELET DISORDER, ASPIRIN-LIKE. Identifiers: Orphanet 71290, MedGen C1832388, MeSH C563324, MONDO:0100083, OMIM 601399.
Hereditary thrombocytopenia and hematologic cancer predisposition syndrome. Identifiers: Orphanet 71290, MedGen CN281654, MONDO:0011071.

Allele frequency attached by ClinVar (database versions not stated): gnomAD exomes 0.00002.
gnomAD v4.1: 20 of 1,537,644 alleles (0.0013%); highest among the groups gnomAD compares: Non-Finnish European, 0.0017%; no homozygotes.

Submissions (3):

ClinGen Myeloid Malignancy Variant Curation Expert Panel
Classification: Uncertain significance for Hereditary thrombocytopenia and hematologic cancer predisposition syndrome. Last evaluated: 2024-10-29. Review status: reviewed by expert panel. Criteria: ClinGen MyeloMalig ACMG Specifications v2. Collection method: curation. Allele origin: germline. Inheritance: Autosomal dominant inheritance.
Comment: NM_001754.5(RUNX1):c.1381A>G (p.Asn461Asp) is a missense variant whiuch has a REVEL score < 0.50 (0.22) and a SpliceAI score ≤ 0.20 (0.0) (BP4). In summary, the clinical significance of this variant is uncertain. ACMG/AMP criteria applied, as specified by the Myeloid Malignancy Variant Curation Expert Panel for RUNX1: BP4.

Ambry Genetics
Classification: Likely benign for Inborn genetic diseases. Last evaluated: 2025-06-16. Review status: criteria provided, single submitter. Criteria: Ambry Variant Classification Scheme 2023. Collection method: clinical testing. Allele origin: germline. Not counted in ClinVar's aggregate classification.

Labcorp Genetics (formerly Invitae), Labcorp
Classification: Uncertain significance for Hereditary thrombocytopenia and hematological cancer predisposition syndrome associated with RUNX1. Last evaluated: 2024-04-25. Review status: criteria provided, single submitter. Criteria: Invitae Variant Classification Sherloc (09022015). Collection method: clinical testing. Allele origin: germline. Not counted in ClinVar's aggregate classification.
Comment: This sequence change replaces asparagine, which is neutral and polar, with aspartic acid, which is acidic and polar, at codon 461 of the RUNX1 protein (p.Asn461Asp). This variant is not present in population databases (gnomAD no frequency). This variant has not been reported in the literature in individuals affected with RUNX1-related conditions. ClinVar contains an entry for this variant (Variation ID: 643861). Advanced modeling of protein sequence and biophysical properties (such as structural, functional, and spatial information, amino acid conservation, physicochemical variation, residue mobility, and thermodynamic stability) performed at Invitae indicates that this missense variant is not expected to disrupt RUNX1 protein function with a negative predictive value of 80%. In summary, the available evidence is currently insufficient to determine the role of this variant in disease. Therefore, it has been classified as a Variant of Uncertain Significance.